The following is an entry in ClinVar:

ClinVar aggregate classification (germline): Pathogenic (1 of 4 stars; one submission).

Submission:

Labcorp Genetics (formerly Invitae), Labcorp
Classification: Pathogenic. Last evaluated: 2023-09-27. Review status: criteria provided, single submitter. Criteria: Invitae Variant Classification Sherloc (09022015). Collection method: clinical testing. Allele origin: unknown.
Comment: This variant results in the deletion of part of exon 1 (c.-3388_43del) of the GNPTG gene. It is expected to result in an absent or disrupted protein product. Loss-of-function variants in GNPTG are known to be pathogenic (PMID: 19370764, 20301784). This variant has not been reported in the literature in individuals affected with GNPTG-related conditions. For these reasons, this variant has been classified as Pathogenic.

Literature cited by the submitters: PubMed 19370764; PubMed 20301784.

NC_000016.9:g.(?_1398579)_(1402009_?)del

Genes: BAIAP3 (BAI1 associated protein 3; plus strand), GNPTG (N-acetylglucosamine-1-phosphate transferase subunit gamma; plus strand), TSR3 (TSR3 ribosome maturation factor; minus strand). Cytogenetic location: 16p13.3.
Variant type: Deletion.
Identifiers: ClinVar variation 3243666 (VCV003243666.1).